The following is an entry in ClinVar:

NM_002878.4(RAD51D):c.445C>T (p.Leu149=)

Genes: RAD51D (RAD51 paralog D; minus strand), RAD51L3-RFFL (RAD51L3-RFFL readthrough; minus strand). Cytogenetic location: 17q12.
Variant type: single nucleotide variant.
Coding change: c.445C>T on transcript NM_002878.4 (MANE Select); coding-DNA position 445, C replaced by T.
Protein change: p.Leu149=; no amino-acid change (leucine 149 retained).
Molecular consequence: synonymous variant. On other transcripts: non-coding transcript variant (1), intron variant (1).
Genome position (GRCh38, 1-based): chr17:35,107,023, G>A on the plus strand (C>T on the coding strand, the complement: RAD51D is on the minus strand). VCF-style: chr17-35107023-G-A. GRCh37 (hg19) VCF-style: chr17-33434042-G-A.
Other names: c.505C>T, p.Leu169= (NM_001142571.2); c.145-542C>T (NM_133629.3).
Identifiers: ClinVar variation 472608 (VCV000472608.19), dbSNP rs1555568301, ClinGen allele CA499731684.
Genomic context (GRCh38, chr17:35,107,023, plus strand): 5'-ATGGAACCCAGCATCCTGCCCTTACCTGTTCCTCCTCATCCTGGGTTTTAGCCTGAAGCA[G>A]CTGGAGGAGGCGGGAAGCTGTCAGCCCTCCATTGGAATCTACATATAGGACGTTTTGCTG-3'
Protein context (NP_002869.3, residues 139-159): GGLTASRLLQ[Leu149=]LQAKTQDEEE

ClinVar aggregate classification (germline): Conflicting classifications of pathogenicity. Review status: criteria provided, conflicting classifications (1 of 4 stars). 5 submissions from 5 submitters: Uncertain significance (1); Benign (1); Likely benign (3). Last evaluated 2025-03-01.

Conditions:
Hereditary cancer-predisposing syndrome. Also called: Neoplastic Syndromes, Hereditary; Tumor predisposition; Hereditary Cancer Syndrome; Hereditary neoplastic syndrome. Identifiers: Orphanet 140162, MedGen C0027672, MeSH D009386, MONDO:0015356.
Breast-ovarian cancer, familial, susceptibility to, 4. Identifiers: Orphanet 145, MedGen C3280345, MONDO:0013669, OMIM 614291.

Allele frequency attached by ClinVar (database versions not stated): gnomAD exomes below 0.00001; TOPMed 0.00001.
gnomAD v4.1: 3 of 1,614,212 alleles (0.00019%); highest among the groups gnomAD compares: Non-Finnish European, 0.00025%; no homozygotes.

Submissions (5):

Labcorp Genetics (formerly Invitae), Labcorp
Classification: Likely benign for Breast-ovarian cancer, familial, susceptibility to, 4. Last evaluated: 2025-03-01. Review status: criteria provided, single submitter. Criteria: Invitae Variant Classification Sherloc (09022015). Collection method: clinical testing. Allele origin: germline.

Myriad Genetics, Inc.
Classification: Benign for Breast-ovarian cancer, familial, susceptibility to, 4. Last evaluated: 2025-02-21. Review status: criteria provided, single submitter. Criteria: Myriad Autosomal Dominant, Autosomal Recessive and X-Linked Classification Criteria (2023). Collection method: clinical testing. Allele origin: unknown.
Comment: This variant is considered benign. This variant is a silent/synonymous amino acid change and it is not expected to impact splicing.

Quest Diagnostics Nichols Institute San Juan Capistrano
Classification: Uncertain significance. Last evaluated: 2025-01-31. Review status: criteria provided, single submitter. Criteria: Quest Diagnostics criteria. Collection method: clinical testing. Allele origin: unknown.
Comment: The RAD51D c.445C>T (p.Leu149=) synonymous variant has not been reported in individuals with RAD51D-related conditions in the published literature. It also has not been reported in large, multi-ethnic general populations (Genome Aggregation Database). Analysis of this variant using software algorithms for the prediction of the effect of nucleotide changes on splicing yielded predictions that this variant does not affect RAD51D mRNA splicing. Based on the available information, we are unable to determine the clinical significance of this variant.

Color Diagnostics, LLC DBA Color Health
Classification: Likely benign for Hereditary cancer-predisposing syndrome. Last evaluated: 2019-12-20. Review status: criteria provided, single submitter. Criteria: ACMG Guidelines, 2015. Collection method: clinical testing. Allele origin: germline.

Ambry Genetics
Classification: Likely benign for Hereditary cancer-predisposing syndrome. Last evaluated: 2018-02-26. Review status: criteria provided, single submitter. Criteria: Ambry Variant Classification Scheme 2023. Collection method: clinical testing. Allele origin: germline.